The following is an entry in ClinVar:

ClinVar aggregate classification (germline): Uncertain significance (1 of 4 stars; one submission).

Conditions:
Primary ciliary dyskinesia. Also called: Ciliary dyskinesia. Identifiers: Orphanet 244, MedGen C0008780, MONDO:0016575, HP:0012265.

Allele frequency attached by ClinVar (database versions not stated): gnomAD exomes 0.00010 and 0.00024; gnomAD 0.00011; ExAC 0.00015; ESP Exome Variant Server 0.00015; TOPMed 0.00019.
gnomAD v4.1: 177 of 1,613,704 alleles (0.011%); highest among the groups gnomAD compares: Admixed American, 0.01%; 1 homozygote.

Submission:

Labcorp Genetics (formerly Invitae), Labcorp
Classification: Uncertain significance for Primary ciliary dyskinesia. Last evaluated: 2022-02-10. Review status: criteria provided, single submitter. Criteria: Invitae Variant Classification Sherloc (09022015). Collection method: clinical testing. Allele origin: germline.
Comment: This sequence change replaces glycine, which is neutral and non-polar, with alanine, which is neutral and non-polar, at codon 563 of the CCDC114 protein (p.Gly563Ala). This variant is present in population databases (rs200124335, gnomAD 0.4%). This variant has not been reported in the literature in individuals affected with CCDC114-related conditions. ClinVar contains an entry for this variant (Variation ID: 454968). Algorithms developed to predict the effect of missense changes on protein structure and function are either unavailable or do not agree on the potential impact of this missense change (SIFT: "Deleterious"; PolyPhen-2: "Probably Damaging"; Align-GVGD: "Class C0"). In summary, the available evidence is currently insufficient to determine the role of this variant in disease. Therefore, it has been classified as a Variant of Uncertain Significance.

NM_001364171.2(ODAD1):c.1799G>C (p.Gly600Ala)

Gene: ODAD1 (outer dynein arm docking complex subunit 1; minus strand). Cytogenetic location: 19q13.33.
Variant type: single nucleotide variant.
Coding change: c.1799G>C on transcript NM_001364171.2 (MANE Select); coding-DNA position 1799, G replaced by C.
Protein change: p.Gly600Ala; replaces glycine 600 with alanine.
Molecular consequence: missense variant.
Genome position (GRCh38, 1-based): chr19:48,297,301, C>G on the plus strand (G>C on the coding strand, the complement: ODAD1 is on the minus strand). VCF-style: chr19-48297301-C-G. GRCh37 (hg19) VCF-style: chr19-48800558-C-G.
Other names: c.1688G>C, p.Gly563Ala (NM_144577.4); short protein forms G563A, G600A.
Identifiers: ClinVar variation 454968 (VCV000454968.5), dbSNP rs200124335, ClinGen allele CA9548562.